The following is an entry in ClinVar:

ClinVar aggregate classification (germline): Uncertain significance (1 of 4 stars; one submission).

Submission:

GeneDx
Classification: Uncertain significance. Last evaluated: 2014-12-24. Review status: criteria provided, single submitter. Criteria: GeneDx Variant Classification (06012015). Collection method: clinical testing. Allele origin: germline. Affected: yes.
Comment: The S988P variant has not been published as a mutation, nor has it been reported as a benign polymorphism to our knowledge. It was not observed in approximately 6,500 individuals of European and African American ancestry in the NHLBI Exome Sequencing Project, indicating it is not a common benign variant in these populations. The S988P variant is a non-conservative amino acid substitution, which is likely to impact secondary protein structure as these residues differ in polarity, charge, size and/or other properties. In addition, this substitution occurs at a position that is conserved in mammals. However, other missense mutations in nearby residues have not been reported in association with SCN2A-related disorders, and in silico analysis is inconsistent in its predictions as to whether or not the variant is damaging to the protein structure/function. Therefore, based on the currently available information, it is unclear whether this variant is a pathogenic mutation or a rare benign variant. The variant is found in INFANTV2-EPIV2-1 panel(s).

NM_001040142.2(SCN2A):c.2962T>C (p.Ser988Pro)

Gene: SCN2A (sodium voltage-gated channel alpha subunit 2; plus strand). Cytogenetic location: 2q24.3.
Variant type: single nucleotide variant.
Coding change: c.2962T>C on transcript NM_001040142.2 (MANE Select); coding-DNA position 2962, T replaced by C.
Protein change: p.Ser988Pro; replaces serine 988 with proline.
Molecular consequence: missense variant.
Genome position (GRCh38, 1-based): chr2:165,354,234, T>C. VCF-style: chr2-165354234-T-C. GRCh37 (hg19) VCF-style: chr2-166210744-T-C.
Other names: p.S988P:TCT>CCT; c.2962T>C, p.Ser988Pro (NM_001040143.2, NM_001371246.1, NM_001371247.1 and 1 more transcripts); short protein forms S988P.
Identifiers: ClinVar variation 206979 (VCV000206979.2), dbSNP rs796053125, ClinGen allele CA317904.